The following is an entry in ClinVar:

ClinVar aggregate classification (germline): Likely benign (0 of 4 stars; one submission).

Conditions:
PLXNA3-related disorder. Also called: PLXNA3-related condition.

Allele frequency attached by ClinVar (database versions not stated): gnomAD 0.00005; gnomAD exomes 0.00008; TOPMed 0.00008; ExAC 0.00020.
gnomAD v4.1: 99 of 1,207,538 alleles (0.0082%); highest among the groups gnomAD compares: Middle Eastern, 0.14%; no homozygotes.

Submission:

PreventionGenetics, part of Exact Sciences
Classification: Likely benign for PLXNA3-related condition. Last evaluated: 2022-04-05. Review status: no assertion criteria provided. Collection method: clinical testing. Allele origin: germline.
Comment: This variant is classified as likely benign based on ACMG/AMP sequence variant interpretation guidelines (Richards et al. 2015 PMID: 25741868, with internal and published modifications).

NM_017514.5(PLXNA3):c.1734G>A (p.Ala578=)

Gene: PLXNA3 (plexin A3; plus strand). Cytogenetic location: Xq28.
Variant type: single nucleotide variant.
Coding change: c.1734G>A on transcript NM_017514.5 (MANE Select); coding-DNA position 1734, G replaced by A.
Protein change: p.Ala578=; no amino-acid change (alanine 578 retained).
Molecular consequence: synonymous variant.
Genome position (GRCh38, 1-based): chrX:154,464,219, G>A. VCF-style: chrX-154464219-G-A. GRCh37 (hg19) VCF-style: chrX-153692562-G-A.
Identifiers: ClinVar variation 3035922 (VCV003035922.2), dbSNP rs782554617, ClinGen allele CA10564157.
Genomic context (GRCh38, chrX:154,464,219, plus strand): 5'-GACCGTCACCCTGCACAACGTGCCAGACCTCAGTGCGGGCGTGAGCTGCGCCTTCGAGGC[G>A]GCGGCGGAGAACGAGGCGGTCCTGCTGCCCTCCGGTGAACTGCTCTGCCCCTCACCCTCC-3'
Protein context (NP_059984.3, residues 568-588): LSAGVSCAFE[Ala578=]AAENEAVLLP